The following is an entry in ClinVar:

NM_001365999.1(SZT2):c.9079A>G (p.Met3027Val)

Gene: SZT2 (SZT2 subunit of KICSTOR complex; plus strand). Cytogenetic location: 1p34.2.
Variant type: single nucleotide variant.
Coding change: c.9079A>G on transcript NM_001365999.1 (MANE Select); coding-DNA position 9079, A replaced by G.
Protein change: p.Met3027Val; replaces methionine 3027 with valine.
Molecular consequence: missense variant.
Genome position (GRCh38, 1-based): chr1:43,446,961, A>G. VCF-style: chr1-43446961-A-G. GRCh37 (hg19) VCF-style: chr1-43912632-A-G.
Other names: c.8908A>G, p.Met2970Val (NM_015284.4); short protein forms M2970V, M3027V.
Identifiers: ClinVar variation 1010567 (VCV001010567.9), dbSNP rs1447800224, ClinGen allele CA340042215.

ClinVar aggregate classification (germline): Uncertain significance. Review status: criteria provided, multiple submitters, no conflicts (2 of 4 stars). 2 submissions from 2 submitters: Uncertain significance (2). Last evaluated 2020-10-24.

Allele frequency attached by ClinVar (database versions not stated): gnomAD exomes below 0.00001; TOPMed below 0.00001; gnomAD 0.00001.
gnomAD v4.1: 4 of 1,610,690 alleles (0.00025%); highest among the groups gnomAD compares: Middle Eastern, 0.016%; no homozygotes.

Submissions (2):

Labcorp Genetics (formerly Invitae), Labcorp
Classification: Uncertain significance. Last evaluated: 2020-10-24. Review status: criteria provided, single submitter. Criteria: Invitae Variant Classification Sherloc (09022015). Collection method: clinical testing. Allele origin: germline.
Comment: In summary, this variant is a novel missense change that is not predicted to affect protein function. There is no indication that it causes disease, but the available evidence is currently insufficient to prove that conclusively. Therefore, it has been classified as a Variant of Uncertain Significance. Algorithms developed to predict the effect of missense changes on protein structure and function (SIFT, PolyPhen-2, Align-GVGD) all suggest that this variant is likely to be tolerated, but these predictions have not been confirmed by published functional studies. This variant is not present in population databases (ExAC no frequency) and has not been reported in the literature in individuals with an SZT2-related disease. This sequence change replaces methionine with valine at codon 2970 of the SZT2 protein (p.Met2970Val). The methionine residue is moderately conserved and there is a small physicochemical difference between methionine and valine.

Blueprint Genetics
Classification: Uncertain significance. Last evaluated: 2018-08-15. Review status: criteria provided, single submitter. Criteria: ACMG Guidelines, 2015. Collection method: clinical testing. Allele origin: germline.